The following is an entry in ClinVar:

ClinVar aggregate classification (germline): Uncertain significance (1 of 4 stars; one submission).

Allele frequency attached by ClinVar (database versions not stated): gnomAD exomes below 0.00001.

Submission:

GeneDx
Classification: Uncertain significance. Last evaluated: 2025-09-11. Review status: criteria provided, single submitter. Criteria: GeneDx Variant Classification Process June 2021. Collection method: clinical testing. Allele origin: germline. Affected: yes.
Comment: Not observed in large population cohorts (gnomAD); In silico analysis, which includes protein predictors and evolutionary conservation, supports a deleterious effect; This variant is associated with the following publications: (PMID: 32553838)

NM_004444.5(EPHB4):c.2288G>A (p.Arg763Gln)

Gene: EPHB4 (EPH receptor B4; minus strand). Cytogenetic location: 7q22.1.
Variant type: single nucleotide variant.
Coding change: c.2288G>A on transcript NM_004444.5 (MANE Select); coding-DNA position 2288, G replaced by A.
Protein change: p.Arg763Gln; replaces arginine 763 with glutamine.
Molecular consequence: missense variant.
Genome position (GRCh38, 1-based): chr7:100,807,411, C>T on the plus strand (G>A on the coding strand, the complement: EPHB4 is on the minus strand). VCF-style: chr7-100807411-C-T. GRCh37 (hg19) VCF-style: chr7-100405033-C-T.
Other names: short protein forms R763Q.
Identifiers: ClinVar variation 1304077 (VCV001304077.3), dbSNP rs2116419024, ClinGen allele CA368568672.